The following is an entry in ClinVar:

ClinVar aggregate classification (germline): Uncertain significance (1 of 4 stars; one submission).

Conditions:
Alstrom syndrome (ALMS). Identifiers: Orphanet 64, MedGen C0268425, MONDO:0008763, OMIM 203800.

Submission:

Labcorp Genetics (formerly Invitae), Labcorp
Classification: Uncertain significance for Alstrom syndrome. Last evaluated: 2024-07-06. Review status: criteria provided, single submitter. Criteria: Invitae Variant Classification Sherloc (09022015). Collection method: clinical testing. Allele origin: germline.
Comment: This sequence change replaces alanine, which is neutral and non-polar, with proline, which is neutral and non-polar, at codon 2282 of the ALMS1 protein (p.Ala2282Pro). This variant is not present in population databases (gnomAD no frequency). This variant has not been reported in the literature in individuals affected with ALMS1-related conditions. Experimental studies and prediction algorithms are not available or were not evaluated, and the functional significance of this variant is currently unknown. In summary, the available evidence is currently insufficient to determine the role of this variant in disease. Therefore, it has been classified as a Variant of Uncertain Significance.

NM_001378454.1(ALMS1):c.6841G>C (p.Ala2281Pro)

Gene: ALMS1 (ALMS1 centrosome and basal body associated protein; plus strand). Cytogenetic location: 2p13.1.
Variant type: single nucleotide variant.
Coding change: c.6841G>C on transcript NM_001378454.1 (MANE Select); coding-DNA position 6841, G replaced by C.
Protein change: p.Ala2281Pro; replaces alanine 2281 with proline.
Molecular consequence: missense variant.
Genome position (GRCh38, 1-based): chr2:73,453,368, G>C. VCF-style: chr2-73453368-G-C. GRCh37 (hg19) VCF-style: chr2-73680495-G-C.
Other names: c.6844G>C, p.Ala2282Pro (NM_015120.4); short protein forms A2282P, A2281P.
Identifiers: ClinVar variation 3709938 (VCV003709938.2).